The following is an entry in ClinVar:

NM_001353694.2(TIAM1):c.4406A>G (p.Lys1469Arg)

Gene: TIAM1 (TIAM Rac1 associated GEF 1; minus strand). Cytogenetic location: 21q22.11.
Variant type: single nucleotide variant.
Coding change: c.4406A>G on transcript NM_001353694.2 (MANE Select); coding-DNA position 4406, A replaced by G.
Protein change: p.Lys1469Arg; replaces lysine 1469 with arginine.
Molecular consequence: missense variant.
Genome position (GRCh38, 1-based): chr21:31,120,738, T>C on the plus strand (A>G on the coding strand, the complement: TIAM1 is on the minus strand). VCF-style: chr21-31120738-T-C. GRCh37 (hg19) VCF-style: chr21-32493056-T-C.
Other names: c.1505A>G, p.Lys502Arg (NM_001353684.2); c.1430A>G, p.Lys477Arg (NM_001353685.2); c.4331A>G, p.Lys1444Arg (NM_001353686.2, NM_001353687.2); c.4406A>G, p.Lys1469Arg (NM_001353688.1, NM_001353689.1, NM_001353690.1 and 4 more transcripts); short protein forms K1444R, K1469R, K477R, K502R.
Identifiers: ClinVar variation 3042023 (VCV003042023.15), dbSNP rs111536576, ClinGen allele CA9997481.

ClinVar aggregate classification (germline): Benign. Review status: criteria provided, single submitter (1 of 4 stars). 2 submissions from 2 submitters: Benign (1). 1 of the submissions does not count toward it. Last evaluated 2026-09-01.

Conditions:
TIAM1-related disorder. Also called: TIAM1-related condition.

Allele frequency attached by ClinVar (database versions not stated): 1000 Genomes Project 0.00419; 1000 Genomes Project 30x 0.00484; TOPMed 0.00791; ExAC 0.00847; gnomAD 0.00885; ESP Exome Variant Server 0.01061; gnomAD exomes 0.01288.
gnomAD v4.1: 20,065 of 1,614,090 alleles (1.2%); highest among the groups gnomAD compares: Non-Finnish European, 1.5%; 157 homozygotes.

Submissions (2):

CeGaT Center for Human Genetics Tuebingen
Classification: Benign. Last evaluated: 2026-09-01. Review status: criteria provided, single submitter. Criteria: CeGaT Center For Human Genetics Tuebingen Variant Classification Criteria Version 2. Collection method: clinical testing. Allele origin: germline. Affected: yes. Observed: 31 variant alleles.
Comment: TIAM1: BP4, BS1, BS2

PreventionGenetics, part of Exact Sciences
Classification: Benign for TIAM1-related condition. Last evaluated: 2019-03-04. Review status: no assertion criteria provided. Collection method: clinical testing. Allele origin: germline. Not counted in ClinVar's aggregate classification.
Comment: This variant is classified as benign based on ACMG/AMP sequence variant interpretation guidelines (Richards et al. 2015 PMID: 25741868, with internal and published modifications).